The following is an entry in ClinVar:

ClinVar aggregate classification (germline): Conflicting classifications of pathogenicity. Review status: criteria provided, conflicting classifications (1 of 4 stars). 4 submissions from 4 submitters: Uncertain significance (2); Likely benign (2). Last evaluated 2024-10-03.

Conditions:
Hereditary breast ovarian cancer syndrome. Also called: Hereditary breast and ovarian cancer syndrome; Breast and ovarian cancer; Hereditary breast and ovarian cancer; Hereditary breast and/or ovarian cancer syndrome; Hereditary breast and ovarian cancer syndrome (HBOC); BRCA1- and BRCA2-Associated Hereditary Breast and Ovarian Cancer. Identifiers: Orphanet 145, MedGen C0677776, MeSH D061325, MONDO:0003582. Disease mechanism: loss of function.
Hereditary cancer-predisposing syndrome. Also called: Hereditary neoplastic syndrome; Tumor predisposition; Neoplastic Syndromes, Hereditary; Hereditary Cancer Syndrome. Identifiers: Orphanet 140162, MedGen C0027672, MeSH D009386, MONDO:0015356.

Allele frequency attached by ClinVar (database versions not stated): gnomAD exomes below 0.00001.
gnomAD v4.1: 2 of 1,591,874 alleles (0.00013%); highest among the groups gnomAD compares: Admixed American, 0.0018%; no homozygotes.

Submissions (4):

Ambry Genetics
Classification: Likely benign for Hereditary cancer-predisposing syndrome. Last evaluated: 2024-10-03. Review status: criteria provided, single submitter. Criteria: Ambry Variant Classification Scheme 2023. Collection method: clinical testing. Allele origin: germline.

Labcorp Genetics (formerly Invitae), Labcorp
Classification: Uncertain significance for Hereditary breast ovarian cancer syndrome. Last evaluated: 2024-04-02. Review status: criteria provided, single submitter. Criteria: Invitae Variant Classification Sherloc (09022015). Collection method: clinical testing. Allele origin: germline.
Comment: This sequence change replaces asparagine, which is neutral and polar, with aspartic acid, which is acidic and polar, at codon 1721 of the BRCA2 protein (p.Asn1721Asp). This variant is present in population databases (no rsID available, gnomAD 0.003%). This variant has not been reported in the literature in individuals affected with BRCA2-related conditions. ClinVar contains an entry for this variant (Variation ID: 569213). Advanced modeling of protein sequence and biophysical properties (such as structural, functional, and spatial information, amino acid conservation, physicochemical variation, residue mobility, and thermodynamic stability) performed at Invitae indicates that this missense variant is not expected to disrupt BRCA2 protein function with a negative predictive value of 95%. In summary, the available evidence is currently insufficient to determine the role of this variant in disease. Therefore, it has been classified as a Variant of Uncertain Significance.

University of Washington Department of Laboratory Medicine, University of Washington
Classification: Likely benign for Hereditary cancer-predisposing syndrome. Last evaluated: 2023-03-23. Review status: criteria provided, single submitter. Criteria: Dines et al. (Genet Med. 2020). Collection method: curation. Allele origin: germline.
Comment: Missense variant in a coldspot region where missense variants are very unlikely to be pathogenic (PMID:31911673).

BRCA2 exon 11 coldspot. Reclassification based on statistical prior probability.

Color Diagnostics, LLC DBA Color Health
Classification: Uncertain significance for Hereditary cancer-predisposing syndrome. Last evaluated: 2020-12-07. Review status: criteria provided, single submitter. Criteria: ACMG Guidelines, 2015. Collection method: clinical testing. Allele origin: germline.
Comment: This missense variant replaces asparagine with aspartic acid at codon 1721 of the BRCA2 protein. Computational prediction suggests that this variant may not impact protein structure and function (internally defined REVEL score threshold <= 0.5, PMID: 27666373). To our knowledge, functional studies have not been reported for this variant. This variant has not been reported in individuals affected with hereditary cancer in the literature. This variant has been identified in 1/233014 chromosomes in the general population by the Genome Aggregation Database (gnomAD). The available evidence is insufficient to determine the role of this variant in disease conclusively. Therefore, this variant is classified as a Variant of Uncertain Significance.

NM_000059.4(BRCA2):c.5161A>G (p.Asn1721Asp)

Gene: BRCA2 (BRCA2 DNA repair associated; plus strand). Cytogenetic location: 13q13.1.
Variant type: single nucleotide variant.
Coding change: c.5161A>G on transcript NM_000059.4 (MANE Select); coding-DNA position 5161, A replaced by G.
Protein change: p.Asn1721Asp; replaces asparagine 1721 with aspartic acid.
Molecular consequence: missense variant.
Genome position (GRCh38, 1-based): chr13:32,339,516, A>G. VCF-style: chr13-32339516-A-G. GRCh37 (hg19) VCF-style: chr13-32913653-A-G.
Other names: short protein forms N1721D.
Identifiers: ClinVar variation 569213 (VCV000569213.13), dbSNP rs1443102794, ClinGen allele CA387784242.